The following is an entry in ClinVar:

ClinVar aggregate classification (germline): Likely benign (1 of 4 stars; one submission).

gnomAD v4.1: 7 of 1,614,044 alleles (0.00043%); highest among the groups gnomAD compares: South Asian, 0.0055%; no homozygotes.

Submission:

CeGaT Center for Human Genetics Tuebingen
Classification: Likely benign. Last evaluated: 2024-10-01. Review status: criteria provided, single submitter. Criteria: CeGaT Center For Human Genetics Tuebingen Variant Classification Criteria Version 2. Collection method: clinical testing. Allele origin: germline. Affected: yes. Observed: 1 variant allele.
Comment: APP: BP4, BP7

NM_000484.4(APP):c.1566A>G (p.Lys522=)

Genes: APP (amyloid beta precursor protein; minus strand), LOC126653330 (CDK7 strongly-dependent group 2 enhancer GRCh37_chr21:27326978-27328177; plus strand). Cytogenetic location: 21q21.3.
Variant type: single nucleotide variant.
Coding change: c.1566A>G on transcript NM_000484.4 (MANE Select); coding-DNA position 1566, A replaced by G.
Protein change: p.Lys522=; no amino-acid change (lysine 522 retained).
Molecular consequence: synonymous variant.
Genome position (GRCh38, 1-based): chr21:25,955,648, T>C on the plus strand (A>G on the coding strand, the complement: APP is on the minus strand). VCF-style: chr21-25955648-T-C. GRCh37 (hg19) VCF-style: chr21-27327962-T-C.
Other names: c.1494A>G, p.Lys498= (NM_001136016.3); c.1173A>G, p.Lys391= (NM_001136129.3); c.1398A>G, p.Lys466= (NM_001136130.3, NM_001385253.1); c.1236A>G, p.Lys412= (NM_001136131.3); c.1566A>G, p.Lys522= (NM_001204301.2); c.1509A>G, p.Lys503= (NM_001204302.2, NM_201413.3); c.1341A>G, p.Lys447= (NM_001204303.2, NM_201414.3).
Identifiers: ClinVar variation 3389941 (VCV003389941.14).